The following is an entry in ClinVar:

ClinVar aggregate classification (germline): Pathogenic/Likely pathogenic. Review status: criteria provided, multiple submitters, no conflicts (2 of 4 stars). 3 submissions from 3 submitters: Pathogenic (2); Likely pathogenic (1). Last evaluated 2025-08-29.

Conditions:
Breast-ovarian cancer, familial, susceptibility to, 5 (BROVCA5). Identifiers: MedGen C5830615, MONDO:0957530, OMIM 620442.
Familial cancer of breast. Also called: Hereditary breast cancer; BREAST CANCER, FAMILIAL; hereditary breast carcinoma. Identifiers: Orphanet 227535, MedGen C0346153, MONDO:0016419, OMIM 114480. Disease mechanism: loss of function.

Submissions (3):

Labcorp Genetics (formerly Invitae), Labcorp
Classification: Pathogenic for Familial cancer of breast. Last evaluated: 2025-08-29. Review status: criteria provided, single submitter. Criteria: Invitae Variant Classification Sherloc (09022015). Collection method: clinical testing. Allele origin: germline.
Comment: This sequence change creates a premature translational stop signal (p.Trp1140*) in the PALB2 gene. While this is not anticipated to result in nonsense mediated decay, it is expected to disrupt the last 47 amino acid(s) of the PALB2 protein. This variant is not present in population databases (gnomAD no frequency). This variant has not been reported in the literature in individuals affected with PALB2-related conditions. ClinVar contains an entry for this variant (Variation ID: 2673887). This variant disrupts a region of the PALB2 protein in which other variant(s) (p.Tyr1183*) have been determined to be pathogenic (PMID: 17200671, 20927582, 21165770, 21365267, 26283626, 26296701). This suggests that this is a clinically significant region of the protein, and that variants that disrupt it are likely to be disease-causing. For these reasons, this variant has been classified as Pathogenic.

Baylor Genetics
Classification: Likely pathogenic for Breast-ovarian cancer, familial, susceptibility to, 5. Last evaluated: 2024-01-05. Review status: criteria provided, single submitter. Criteria: ACMG Guidelines, 2015. Collection method: clinical testing. Allele origin: unknown.

Myriad Genetics, Inc.
Classification: Pathogenic for Familial cancer of breast. Last evaluated: 2023-09-15. Review status: criteria provided, single submitter. Criteria: Myriad Autosomal Dominant, Autosomal Recessive and X-Linked Classification Criteria (2023). Collection method: clinical testing. Allele origin: unknown.
Comment: This variant is considered pathogenic. This variant creates a termination codon and is predicted to result in premature protein truncation.

Literature cited by the submitters: PubMed 17200671 (cited by Labcorp Genetics (formerly Invitae), Labcorp); PubMed 20927582 (cited by Labcorp Genetics (formerly Invitae), Labcorp); PubMed 21165770 (cited by Labcorp Genetics (formerly Invitae), Labcorp); PubMed 21365267 (cited by Labcorp Genetics (formerly Invitae), Labcorp); PubMed 26283626 (cited by Labcorp Genetics (formerly Invitae), Labcorp); PubMed 26296701 (cited by Labcorp Genetics (formerly Invitae), Labcorp).

NM_024675.4(PALB2):c.3419G>A (p.Trp1140Ter)

Gene: PALB2 (partner and localizer of BRCA2; minus strand). Cytogenetic location: 16p12.2.
Variant type: single nucleotide variant.
Coding change: c.3419G>A on transcript NM_024675.4 (MANE Select); coding-DNA position 3419, G replaced by A.
Protein change: p.Trp1140Ter; replaces tryptophan 1140 with a stop codon.
Molecular consequence: nonsense. On other transcripts: 3 prime UTR variant (5).
Genome position (GRCh38, 1-based): chr16:23,603,601, C>T on the plus strand (G>A on the coding strand, the complement: PALB2 is on the minus strand). VCF-style: chr16-23603601-C-T. GRCh37 (hg19) VCF-style: chr16-23614922-C-T.
Other names: c.3359G>A, p.Trp1120Ter (NM_001407296.1); c.3347G>A, p.Trp1116Ter (NM_001407297.1); c.3257G>A, p.Trp1086Ter (NM_001407298.1); c.3182G>A, p.Trp1061Ter (NM_001407299.1); c.3140G>A, p.Trp1047Ter (NM_001407300.1); c.*54G>A (NM_001407301.1, NM_001407302.1, NM_001407310.1 and 2 more transcripts); c.2534G>A, p.Trp845Ter (NM_001407304.1, NM_001407305.1, NM_001407306.1); c.2372G>A, p.Trp791Ter (NM_001407307.1); and 3 more; short protein forms W1047*, W1061*, W1086*, W1116*, W1120*, W1140*, W318*, W544*.
Identifiers: ClinVar variation 2673887 (VCV002673887.3), dbSNP rs1060502809, ClinGen allele CA395138212.